The following is an entry in ClinVar:

NM_001999.4(FBN2):c.4087A>G (p.Thr1363Ala)

Gene: FBN2 (fibrillin 2; minus strand). Cytogenetic location: 5q23.3.
Variant type: single nucleotide variant.
Coding change: c.4087A>G on transcript NM_001999.4 (MANE Select); coding-DNA position 4087, A replaced by G.
Protein change: p.Thr1363Ala; replaces threonine 1363 with alanine.
Molecular consequence: missense variant.
Genome position (GRCh38, 1-based): chr5:128,334,731, T>C on the plus strand (A>G on the coding strand, the complement: FBN2 is on the minus strand). VCF-style: chr5-128334731-T-C. GRCh37 (hg19) VCF-style: chr5-127670423-T-C.
Other names: short protein forms T1363A.
Identifiers: ClinVar variation 213324 (VCV000213324.3), dbSNP rs863223571, ClinGen allele CA320880.
Genomic context (GRCh38, chr5:128,334,731, plus strand): 5'-TTGACATCTGAGAAGTTGAAATACAGAGAACACAAGCTTGAAACCTACCTGTACATCCTG[T>C]GGTCCCCTTCTTCACTGAGTAACCCAGCTGACAGTGGCAAATGAAGGATCCCTTTGTGTT-3'
Protein context (NP_001990.2, residues 1353-1373): QLGYSVKKGT[Thr1363Ala]GCTDVDECEI

ClinVar aggregate classification (germline): Uncertain significance (1 of 4 stars; one submission).

Submission:

GeneDx
Classification: Uncertain significance. Last evaluated: 2025-01-27. Review status: criteria provided, single submitter. Criteria: GeneDx Variant Classification Process June 2021. Collection method: clinical testing. Allele origin: germline. Affected: yes.
Comment: Not observed at significant frequency in large population cohorts (gnomAD); In silico analysis supports that this missense variant has a deleterious effect on protein structure/function; Has not been previously published as pathogenic or benign to our knowledge; Although located in a calcium-binding EGF-like domain of the FBN2 gene, it does not substitute or introduce a cysteine residue (PMID: 19006240, 18767143); This variant is associated with the following publications: (PMID: 19006240, 18767143)